The following is an entry in ClinVar:

ClinVar aggregate classification (germline): Uncertain significance (1 of 4 stars; one submission).

Submission:

GeneDx
Classification: Uncertain significance. Last evaluated: 2025-07-15. Review status: criteria provided, single submitter. Criteria: GeneDx Variant Classification Process June 2021. Collection method: clinical testing. Allele origin: germline. Affected: yes.
Comment: Not observed at significant frequency in large population cohorts (gnomAD); In silico analysis suggests that this missense variant does not alter protein structure/function; Has not been previously published as pathogenic or benign to our knowledge

NM_001470.4(GABBR1):c.1894C>A (p.Leu632Met)

Gene: GABBR1 (gamma-aminobutyric acid type B receptor subunit 1; minus strand). Cytogenetic location: 6p22.1.
Variant type: single nucleotide variant.
Coding change: c.1894C>A on transcript NM_001470.4 (MANE Select); coding-DNA position 1894, C replaced by A.
Protein change: p.Leu632Met; replaces leucine 632 with methionine.
Molecular consequence: missense variant.
Genome position (GRCh38, 1-based): chr6:29,608,699, G>T on the plus strand (C>A on the coding strand, the complement: GABBR1 is on the minus strand). VCF-style: chr6-29608699-G-T. GRCh37 (hg19) VCF-style: chr6-29576476-G-T.
Other names: c.1363C>A, p.Leu455Met (NM_001319053.2); c.1543C>A, p.Leu515Met (NM_021903.3); c.1708C>A, p.Leu570Met (NM_021904.4); short protein forms L455M, L515M, L570M, L632M.
Identifiers: ClinVar variation 4686469 (VCV004686469.1).